The following is an entry in ClinVar:

ClinVar aggregate classification (germline): Conflicting classifications of pathogenicity. Review status: criteria provided, conflicting classifications (1 of 4 stars). 4 submissions from 4 submitters: Uncertain significance (2); Benign (1); Likely benign (1). Last evaluated 2025-12-31.

Conditions:
Hereditary cancer-predisposing syndrome. Also called: Hereditary Cancer Syndrome; Neoplastic Syndromes, Hereditary; Tumor predisposition; Hereditary neoplastic syndrome. Identifiers: Orphanet 140162, MedGen C0027672, MeSH D009386, MONDO:0015356.
Tuberous sclerosis syndrome (TSC). Also called: Tuberous sclerosis; Tuberous Sclerosis Complex. Identifiers: Orphanet 805, MedGen C0041341, MONDO:0001734.
Tuberous sclerosis 2 (TSC2). Identifiers: Orphanet 805, MedGen C1860707, MONDO:0013199, OMIM 613254.

gnomAD v4.1: 4 of 1,611,546 alleles (0.00025%); highest among the groups gnomAD compares: Non-Finnish European, 0.00034%; no homozygotes.

Submissions (4):

Labcorp Genetics (formerly Invitae), Labcorp
Classification: Benign for Tuberous sclerosis 2. Last evaluated: 2025-12-31. Review status: criteria provided, single submitter. Criteria: Invitae Variant Classification Sherloc (09022015). Collection method: clinical testing. Allele origin: germline.

Color Diagnostics, LLC DBA Color Health
Classification: Uncertain significance for Tuberous sclerosis syndrome. Last evaluated: 2025-06-17. Review status: criteria provided, single submitter. Criteria: ACMG Guidelines, 2015. Collection method: clinical testing. Allele origin: germline.
Comment: This missense variant replaces aspartic acid with glutamic acid at codon 1327 of the TSC2 protein. Computational prediction is inconclusive regarding the impact of this variant on protein structure and function. To our knowledge, functional studies have not been reported for this variant. This variant has not been reported in individuals affected with TSC2-related disorders in the literature. This variant has not been identified in the general population by the Genome Aggregation Database (gnomAD). The available evidence is insufficient to determine the role of this variant in disease conclusively. Therefore, this variant is classified as a Variant of Uncertain Significance.

Ambry Genetics
Classification: Uncertain significance for Hereditary cancer-predisposing syndrome. Last evaluated: 2024-12-03. Review status: criteria provided, single submitter. Criteria: Ambry Variant Classification Scheme 2023. Collection method: clinical testing. Allele origin: germline.
Comment: The p.D1327E variant (also known as c.3981C>G), located in coding exon 32 of the TSC2 gene, results from a C to G substitution at nucleotide position 3981. The aspartic acid at codon 1327 is replaced by glutamic acid, an amino acid with highly similar properties. This amino acid position is not well conserved in limited sequence alignment. In addition, the in silico prediction for this alteration is inconclusive. Based on the available evidence, the clinical significance of this variant remains unclear.

Genome-Nilou Lab
Classification: Likely benign for Tuberous sclerosis 2. Last evaluated: 2021-11-07. Review status: criteria provided, single submitter. Criteria: ACMG Guidelines, 2015. Collection method: clinical testing. Allele origin: germline. Affected: no.

NM_000548.5(TSC2):c.3981C>G (p.Asp1327Glu)

Gene: TSC2 (TSC complex subunit 2; plus strand). Cytogenetic location: 16p13.3.
Variant type: single nucleotide variant.
Coding change: c.3981C>G on transcript NM_000548.5 (MANE Select); coding-DNA position 3981, C replaced by G.
Protein change: p.Asp1327Glu; replaces aspartic acid 1327 with glutamic acid.
Molecular consequence: missense variant.
Genome position (GRCh38, 1-based): chr16:2,083,792, C>G. VCF-style: chr16-2083792-C-G. GRCh37 (hg19) VCF-style: chr16-2133793-C-G.
Other names: c.3849C>G, p.Asp1283Glu (NM_001370404.1); c.3852C>G, p.Asp1284Glu (NM_001370405.1, NM_021055.3); c.3780C>G, p.Asp1260Glu (NM_001077183.3); c.3912C>G, p.Asp1304Glu (NM_001114382.3); c.3672C>G, p.Asp1224Glu (NM_001318827.2); c.3636C>G, p.Asp1212Glu (NM_001318829.2); c.3249C>G, p.Asp1083Glu (NM_001318831.2); c.3813C>G, p.Asp1271Glu (NM_001318832.2); and 1 more; short protein forms D1327E, D1083E, D1212E, D1261E, D1271E, D1284E, D1224E, D1283E.
Identifiers: ClinVar variation 231318 (VCV000231318.19), dbSNP rs876659087, ClinGen allele CA10579897.
Genomic context (GRCh38, chr16:2,083,792, plus strand): 5'-GGTTCCTGTGCTGGTGGAGCCCCCAGGGTTGGAGGACGTTGAGGCAGCGCTAGGCATGGA[C>G]AGGCGCACGGATGCCTACAGCAGGGTGAGTGTGGCTCAGAGCCTGGACCCTGCTGACCTC-3'
Protein context (NP_000539.2, residues 1317-1337): LEDVEAALGM[Asp1327Glu]RRTDAYSRSS